The following is an entry in ClinVar:

ClinVar aggregate classification (germline): Uncertain significance (1 of 4 stars; one submission).

Conditions:
Hereditary cancer-predisposing syndrome. Also called: Hereditary Cancer Syndrome; Neoplastic Syndromes, Hereditary; Tumor predisposition; Hereditary neoplastic syndrome. Identifiers: Orphanet 140162, MedGen C0027672, MeSH D009386, MONDO:0015356.

Submission:

Ambry Genetics
Classification: Uncertain significance for Hereditary cancer-predisposing syndrome. Last evaluated: 2016-10-21. Review status: criteria provided, single submitter. Criteria: Ambry Variant Classification Scheme 2023. Collection method: clinical testing. Allele origin: germline.
Comment: The p.T1743R variant (also known as c.5228C>G), located in coding exon 34 of the ATM gene, results from a C to G substitution at nucleotide position 5228. The threonine at codon 1743 is replaced by arginine, an amino acid with similar properties. This variant was not reported in population based cohorts in the following databases: Database of Single Nucleotide Polymorphisms (dbSNP), NHLBI Exome Sequencing Project (ESP), and 1000 Genomes Project. In the ESP, this variant was not observed in 6499 samples (12998 alleles) with coverage at this position. To date, this alteration has been detected with an allele frequency of approximately 0.001% (greater than 180000 alleles tested) in our clinical cohort. This amino acid position is highly conserved in available vertebrate species. In addition, this alteration is predicted to be deleterious by in silico analysis. Since supporting evidence is limited at this time, the clinical significance of this alteration remains unclear.

NM_000051.4(ATM):c.5228C>G (p.Thr1743Arg)

Gene: ATM (ATM serine/threonine kinase; plus strand). Cytogenetic location: 11q22.3.
Variant type: single nucleotide variant.
Coding change: c.5228C>G on transcript NM_000051.4 (MANE Select); coding-DNA position 5228, C replaced by G.
Protein change: p.Thr1743Arg; replaces threonine 1743 with arginine.
Molecular consequence: missense variant.
Genome position (GRCh38, 1-based): chr11:108,301,698, C>G. VCF-style: chr11-108301698-C-G. GRCh37 (hg19) VCF-style: chr11-108172425-C-G.
Other names: c.5228C>G, p.Thr1743Arg (NM_001351834.2); short protein forms T1743R.
Identifiers: ClinVar variation 481297 (VCV000481297.5), dbSNP rs587779844, ClinGen allele CA382542341.
Genomic context (GRCh38, chr11:108,301,698, plus strand): 5'-TTTTTTTCAGTGTCAAAGTTCGATCAGCAGCTGTTACCTGTTTGAAAAACATTTTAGCCA[C>G]AAAGACTGGACATAGTTTCTGGGAGATTTATAAGATGACAACAGATCCAATGCTGGCCTA-3'
Protein context (NP_000042.3, residues 1733-1753): AVTCLKNILA[Thr1743Arg]KTGHSFWEIY